The following is an entry in ClinVar:

ClinVar aggregate classification (germline): Uncertain significance (1 of 4 stars; one submission).

Conditions:
Charcot-Marie-Tooth disease type 4. Also called: Charcot-Marie-Tooth disease, type IV; Charcot-Marie-Tooth, Type 4. Identifiers: Orphanet 64749, MedGen C4082197, MONDO:0018995.

Submission:

Labcorp Genetics (formerly Invitae), Labcorp
Classification: Uncertain significance for Charcot-Marie-Tooth disease type 4. Last evaluated: 2020-03-09. Review status: criteria provided, single submitter. Criteria: Invitae Variant Classification Sherloc (09022015). Collection method: clinical testing. Allele origin: germline.
Comment: In summary, the available evidence is currently insufficient to determine the role of this variant in disease. Therefore, it has been classified as a Variant of Uncertain Significance. Algorithms developed to predict the effect of missense changes on protein structure and function are either unavailable or do not agree on the potential impact of this missense change (SIFT: "Tolerated"; PolyPhen-2: "Probably Damaging"; Align-GVGD: "Class C0"). This variant has not been reported in the literature in individuals with SBF2-related conditions. This variant is not present in population databases (ExAC no frequency). This sequence change replaces proline with arginine at codon 871 of the SBF2 protein (p.Pro871Arg). The proline residue is highly conserved and there is a moderate physicochemical difference between proline and arginine.

NM_030962.4(SBF2):c.2612C>G (p.Pro871Arg)

Genes: SBF2 (SET binding factor 2; minus strand), LOC101928008 (uncharacterized LOC101928008; plus strand). Cytogenetic location: 11p15.4.
Variant type: single nucleotide variant.
Coding change: c.2612C>G on transcript NM_030962.4 (MANE Select); coding-DNA position 2612, C replaced by G.
Protein change: p.Pro871Arg; replaces proline 871 with arginine.
Molecular consequence: missense variant.
Genome position (GRCh38, 1-based): chr11:9,850,217, G>C on the plus strand (C>G on the coding strand, the complement: SBF2 is on the minus strand). VCF-style: chr11-9850217-G-C. GRCh37 (hg19) VCF-style: chr11-9871764-G-C.
Other names: c.2612C>G, p.Pro871Arg (NM_001386339.1); c.2483C>G, p.Pro828Arg (NM_001386342.1); short protein forms P871R, P828R.
Identifiers: ClinVar variation 1013912 (VCV001013912.9), dbSNP rs1856823248, ClinGen allele CA379635994.